The following is an entry in ClinVar:

NM_001365951.3(KIF1B):c.1849C>G (p.Gln617Glu)

Gene: KIF1B (kinesin family member 1B; plus strand). Cytogenetic location: 1p36.22.
Variant type: single nucleotide variant.
Coding change: c.1849C>G on transcript NM_001365951.3 (MANE Select); coding-DNA position 1849, C replaced by G.
Protein change: p.Gln617Glu; replaces glutamine 617 with glutamic acid.
Molecular consequence: missense variant.
Genome position (GRCh38, 1-based): chr1:10,296,653, C>G. VCF-style: chr1-10296653-C-G. GRCh37 (hg19) VCF-style: chr1-10356711-C-G.
Other names: c.1849C>G, p.Gln617Glu (NM_001365952.1); c.1711C>G, p.Gln571Glu (NM_001365953.1, NM_015074.3, NM_183416.4); short protein forms Q571E, Q617E.
Identifiers: ClinVar variation 2625731 (VCV002625731.3), dbSNP rs1569748221, ClinGen allele CA338316162.

ClinVar aggregate classification (germline): Uncertain significance. Review status: criteria provided, multiple submitters, no conflicts (2 of 4 stars). 2 submissions from 2 submitters: Uncertain significance (2). Last evaluated 2025-03-13.

Conditions:
Charcot-Marie-Tooth disease type 2. Also called: Charcot-Marie-Tooth type 2. Identifiers: Orphanet 64746, MedGen C0270914, MONDO:0018993.

Submissions (2):

Labcorp Genetics (formerly Invitae), Labcorp
Classification: Uncertain significance for Charcot-Marie-Tooth disease type 2. Last evaluated: 2025-03-13. Review status: criteria provided, single submitter. Criteria: Invitae Variant Classification Sherloc (09022015). Collection method: clinical testing. Allele origin: germline.
Comment: This sequence change replaces glutamine, which is neutral and polar, with glutamic acid, which is acidic and polar, at codon 571 of the KIF1B protein (p.Gln571Glu). This variant is not present in population databases (gnomAD no frequency). This variant has not been reported in the literature in individuals affected with KIF1B-related conditions. ClinVar contains an entry for this variant (Variation ID: 2625731). Invitae Evidence Modeling of protein sequence and biophysical properties (such as structural, functional, and spatial information, amino acid conservation, physicochemical variation, residue mobility, and thermodynamic stability) indicates that this missense variant is not expected to disrupt KIF1B protein function with a negative predictive value of 80%. In summary, the available evidence is currently insufficient to determine the role of this variant in disease. Therefore, it has been classified as a Variant of Uncertain Significance.

Ambry Genetics
Classification: Uncertain significance. Last evaluated: 2023-08-29. Review status: criteria provided, single submitter. Criteria: Ambry Variant Classification Scheme 2023. Collection method: clinical testing. Allele origin: germline.
Comment: The p.Q571E variant (also known as c.1711C>G), located in coding exon 17 of the KIF1B gene, results from a C to G substitution at nucleotide position 1711. The glutamine at codon 571 is replaced by glutamic acid, an amino acid with highly similar properties. This amino acid position is well conserved in available vertebrate species. In addition, the in silico prediction for this alteration is inconclusive. The evidence for this gene-disease relationship is limited; therefore, the clinical significance of this alteration is unclear.